The following is an entry in ClinVar:

ClinVar aggregate classification (germline): Pathogenic. Review status: criteria provided, single submitter (1 of 4 stars). 2 submissions from 1 submitter: Pathogenic (2). Last evaluated 2017-01-01.

Conditions:
Polycystic kidney disease. Also called: Polycystic kidney dysplasia; Kidney, Polycystic. Identifiers: MedGen C0022680, MeSH D007690, MONDO:0020642, HP:0000113.
Multicystic kidney dysplasia. Also called: Multicystic dysplastic kidney. Identifiers: Orphanet 1851, MedGen C3714581, MONDO:0015988, HP:0000003.
Polycystic liver disease 1 (PCLD1). Also called: Polycystic liver disease 1 with or without kidney cysts. Identifiers: Orphanet 2924, MedGen C0887850, MONDO:0008265, OMIM 174050.
Polycystic kidney disease 2 (PKD2). Also called: Polycystic Kidney Disease 2, Autosomal Dominant; POLYCYSTIC KIDNEY DISEASE 2 WITH OR WITHOUT POLYCYSTIC LIVER DISEASE; POLYCYSTIC KIDNEY DISEASE, ADULT, TYPE II. Identifiers: MedGen C2751306, MONDO:0013131, OMIM 613095.

Submissions (2):

Centre for Mendelian Genomics, University Medical Centre Ljubljana
Classification: Pathogenic for Multicystic kidney dysplasia; Polycystic kidney disease; Autosomal dominant polycystic liver disease. Last evaluated: 2017-01-01. Review status: criteria provided, single submitter. Criteria: ACMG Guidelines, 2015. Collection method: clinical testing. Allele origin: unknown. Affected: yes.

Centre for Mendelian Genomics, University Medical Centre Ljubljana
Classification: Pathogenic for Polycystic kidney disease 2. Last evaluated: 2016-01-01. Review status: criteria provided, single submitter. Criteria: ACMG Guidelines, 2015. Collection method: clinical testing. Allele origin: unknown. Affected: yes.
Comment: This variant was classified as: Pathogenic. The following ACMG criteria were applied in classifying this variant: PVS1,PM2,PP4.

NM_000297.4(PKD2):c.2284_2287del (p.Tyr762fs)

Gene: PKD2 (polycystin 2, transient receptor potential cation channel; plus strand). Cytogenetic location: 4q22.1.
Variant type: Deletion.
Coding change: c.2284_2287del on transcript NM_000297.4 (MANE Select); coding-DNA positions 2284 to 2287, 4 bases deleted (TACG; older notation c.2284_2287delTACG).
Protein change: p.Tyr762fs; shifts the reading frame from tyrosine 762.
Molecular consequence: frameshift variant. On other transcripts: non-coding transcript variant (1).
Genome position (GRCh38, 1-based): chr4:88,065,805-88,065,808, TACG deleted; deleting any 4 consecutive bases within chr4:88,065,804-88,065,808 gives the same sequence; the c. name uses the placement nearest the transcript's 3' end. VCF-style (leftmost placement, unchanged base first): chr4-88065803-AGTAC-A. GRCh37 (hg19) VCF-style: chr4-88986955-AGTAC-A.
Other names: short protein forms Y762fs.
Identifiers: ClinVar variation 523354 (VCV000523354.4), dbSNP rs1553927823, ClinGen allele CA658796448.